The following is an entry in ClinVar:

ClinVar aggregate classification (germline): Conflicting classifications of pathogenicity. Review status: criteria provided, conflicting classifications (1 of 4 stars). 4 submissions from 4 submitters: Uncertain significance (3); Likely benign (1). Last evaluated 2025-10-30.

Conditions:
Familial cancer of breast. Also called: hereditary breast carcinoma; Hereditary breast cancer; BREAST CANCER, FAMILIAL. Identifiers: Orphanet 227535, MedGen C0346153, MONDO:0016419, OMIM 114480. Disease mechanism: loss of function.
Hereditary cancer-predisposing syndrome. Also called: Tumor predisposition; Hereditary neoplastic syndrome; Neoplastic Syndromes, Hereditary; Hereditary Cancer Syndrome. Identifiers: Orphanet 140162, MedGen C0027672, MeSH D009386, MONDO:0015356.

gnomAD v4.1: 2 of 1,614,116 alleles (0.00012%); highest among the groups gnomAD compares: Non-Finnish European, 0.000085%; no homozygotes.

Submissions (4):

Ambry Genetics
Classification: Uncertain significance for Hereditary cancer-predisposing syndrome. Last evaluated: 2025-10-30. Review status: criteria provided, single submitter. Criteria: Ambry Variant Classification Scheme 2023. Collection method: clinical testing. Allele origin: germline.
Comment: The p.G998A variant (also known as c.2993G>C), located in coding exon 9 of the PALB2 gene, results from a G to C substitution at nucleotide position 2993. The glycine at codon 998 is replaced by alanine, an amino acid with similar properties. This alteration was identified in multiple individuals diagnosed with prostate cancer (Holeckova K et al. In Vivo;34:1773-1778). This amino acid position is highly conserved in available vertebrate species. In addition, this alteration is predicted to be tolerated by in silico analysis. Since supporting evidence is limited at this time, the clinical significance of this alteration remains unclear.

Labcorp Genetics (formerly Invitae), Labcorp
Classification: Uncertain significance for Familial cancer of breast. Last evaluated: 2024-11-14. Review status: criteria provided, single submitter. Criteria: Invitae Variant Classification Sherloc (09022015). Collection method: clinical testing. Allele origin: germline.
Comment: This sequence change replaces glycine, which is neutral and non-polar, with alanine, which is neutral and non-polar, at codon 998 of the PALB2 protein (p.Gly998Ala). This variant is not present in population databases (gnomAD no frequency). This missense change has been observed in individual(s) with prostate cancer (PMID: 32606146). ClinVar contains an entry for this variant (Variation ID: 379870). Invitae Evidence Modeling of protein sequence and biophysical properties (such as structural, functional, and spatial information, amino acid conservation, physicochemical variation, residue mobility, and thermodynamic stability) has been performed for this missense variant. However, the output from this modeling did not meet the statistical confidence thresholds required to predict the impact of this variant on PALB2 protein function. In summary, the available evidence is currently insufficient to determine the role of this variant in disease. Therefore, it has been classified as a Variant of Uncertain Significance.

Color Diagnostics, LLC DBA Color Health
Classification: Uncertain significance for Hereditary cancer-predisposing syndrome. Last evaluated: 2020-01-24. Review status: criteria provided, single submitter. Criteria: ACMG Guidelines, 2015. Collection method: clinical testing. Allele origin: germline.
Comment: This missense variant replaces glycine with alanine at codon 998 of the PALB2 protein. Computational prediction suggests that this variant may not impact protein structure and function (internally defined REVEL score threshold <= 0.5, PMID: 27666373). Splice site prediction tools suggest that this variant may not impact RNA splicing. To our knowledge, functional studies have not been performed for this variant. This variant has not been reported in individuals affected with hereditary cancer in the literature. This variant has not been identified in the general population by the Genome Aggregation Database (gnomAD). The available evidence is insufficient to determine the role of this variant in disease conclusively. Therefore, this variant is classified as a Variant of Uncertain Significance.

GeneDx
Classification: Likely benign. Last evaluated: 2015-06-01. Review status: criteria provided, single submitter. Criteria: GeneDx Variant Classification (06012015). Collection method: clinical testing. Allele origin: germline. Affected: yes.
Comment: This variant is considered likely benign or benign based on one or more of the following criteria: it is a conservative change, it occurs at a poorly conserved position in the protein, it is predicted to be benign by multiple in silico algorithms, and/or has population frequency not consistent with disease.

Literature cited by the submitters: PubMed 32606146 (cited by Ambry Genetics and Labcorp Genetics (formerly Invitae), Labcorp).

NM_024675.4(PALB2):c.2993G>C (p.Gly998Ala)

Gene: PALB2 (partner and localizer of BRCA2; minus strand). Cytogenetic location: 16p12.2.
Variant type: single nucleotide variant.
Coding change: c.2993G>C on transcript NM_024675.4 (MANE Select); coding-DNA position 2993, G replaced by C.
Protein change: p.Gly998Ala; replaces glycine 998 with alanine.
Molecular consequence: missense variant.
Genome position (GRCh38, 1-based): chr16:23,622,972, C>G on the plus strand (G>C on the coding strand, the complement: PALB2 is on the minus strand). VCF-style: chr16-23622972-C-G. GRCh37 (hg19) VCF-style: chr16-23634293-C-G.
Other names: short protein forms G998A.
Identifiers: ClinVar variation 379870 (VCV000379870.18), dbSNP rs45551636, ClinGen allele CA16608106.